The following is an entry in ClinVar:

ClinVar aggregate classification (germline): Conflicting classifications of pathogenicity. Review status: criteria provided, conflicting classifications (1 of 4 stars). 3 submissions from 3 submitters: Uncertain significance (2); Likely benign (1). Last evaluated 2025-03-24.

Conditions:
ACTG1-related disorder. Also called: ACTG1-related condition; ACTG1-related disorders.

Allele frequency attached by ClinVar (database versions not stated): gnomAD 0.00007 and 0.00008; TOPMed 0.00007.

Submissions (3):

PreventionGenetics, part of Exact Sciences
Classification: Likely benign for ACTG1-related condition. Last evaluated: 2025-03-24. Review status: criteria provided, single submitter. Criteria: ACMG Guidelines, 2015. Collection method: clinical testing. Allele origin: germline.
Comment: This variant is classified as likely benign based on ACMG/AMP sequence variant interpretation guidelines (Richards et al. 2015 PMID: 25741868, with internal and published modifications).

Women's Health and Genetics/Laboratory Corporation of America, LabCorp
Classification: Uncertain significance. Last evaluated: 2024-11-13. Review status: criteria provided, single submitter. Criteria: LabCorp Variant Classification Summary - May 2015. Collection method: clinical testing. Allele origin: germline.
Comment: Variant summary: ACTG1 c.-1A>G is located in the untranslated mRNA region upstream of the initiation codon. The variant allele was found at a frequency of 8.4e-05 in 251316 control chromosomes (gnomAD). To our knowledge, no occurrence of c.-1A>G in individuals affected with ACTG1-Related Disorders and no experimental evidence demonstrating its impact on protein function have been reported. ClinVar contains an entry for this variant (Variation ID: 505118). Based on the evidence outlined above, the variant was classified as uncertain significance.

Laboratory for Molecular Medicine, Mass General Brigham Personalized Medicine
Classification: Uncertain significance. Last evaluated: 2016-06-09. Review status: criteria provided, single submitter. Criteria: LMM Criteria. Collection method: clinical testing. Allele origin: germline. Observed: 1 variant allele.
Comment: The c.-1A>G variant in ACTG1 has not been previously reported in individuals wit h with hearing loss or Baraitser-Winter syndrome. This variant has been identifi ed in 8/66460 European chromosomes by the Exome Aggregation Consortium (ExAC; dbSNP rs781801921). Although this variant has been seen in the general population, its frequency is not high enough to rule out a pathogenic role. This variant is located in the 5'UTR at the -1 nucleotide posit ion, which is not conserved across species including mammals. Computational tool s do not suggest an impact to splicing. However, this information is not predict ive enough to rule out pathogenicity. In summary, the clinical significance of t he c.-1A>G variant is uncertain.

NM_001614.5(ACTG1):c.-1A>G

Gene: ACTG1 (actin gamma 1; minus strand). Cytogenetic location: 17q25.3.
Variant type: single nucleotide variant.
Coding change: c.-1A>G on transcript NM_001614.5 (MANE Select); 1 bases upstream of the start codon, A replaced by G.
Molecular consequence: 5 prime UTR variant. On other transcripts: non-coding transcript variant (1).
Genome position (GRCh38, 1-based): chr17:81,512,355, T>C on the plus strand (A>G on the coding strand, the complement: ACTG1 is on the minus strand). VCF-style: chr17-81512355-T-C. GRCh37 (hg19) VCF-style: chr17-79479381-T-C.
Other names: c.-1A>G (NM_001614.3, NM_001199954.3).
Identifiers: ClinVar variation 505118 (VCV000505118.6), dbSNP rs781801921, ClinGen allele CA8836427.